The following is an entry in ClinVar:

ClinVar aggregate classification (germline): Conflicting classifications of pathogenicity. Review status: criteria provided, conflicting classifications (1 of 4 stars). 2 submissions from 2 submitters: Uncertain significance (1); Likely benign (1). Last evaluated 2023-09-28.

Conditions:
Ehlers-Danlos syndrome, classic type, 1 (EDSCL1). Also called: Ehlers-Danlos syndrome, type 1; Ehlers-Danlos Syndrome, Classic Type, COL5A1-Related; EDS I; EHLERS-DANLOS SYNDROME, GRAVIS TYPE; EHLERS-DANLOS SYNDROME, SEVERE CLASSIC TYPE. Identifiers: MedGen C0268335, MONDO:0019567, OMIM 130000.
Familial thoracic aortic aneurysm and aortic dissection (TAAD). Also called: Thoracic aortic aneurysms and dissections. Identifiers: Orphanet 91387, MedGen C4707243, MONDO:0019625.

Allele frequency attached by ClinVar (database versions not stated): TOPMed below 0.00001; gnomAD exomes 0.00001; gnomAD 0.00001.
gnomAD v4.1: 9 of 1,613,896 alleles (0.00056%); highest among the groups gnomAD compares: Non-Finnish European, 0.00076%; no homozygotes.

Submissions (2):

Labcorp Genetics (formerly Invitae), Labcorp
Classification: Uncertain significance for Ehlers-Danlos syndrome, classic type, 1. Last evaluated: 2023-09-28. Review status: criteria provided, single submitter. Criteria: Invitae Variant Classification Sherloc (09022015). Collection method: clinical testing. Allele origin: germline.
Comment: This sequence change replaces asparagine, which is neutral and polar, with serine, which is neutral and polar, at codon 1076 of the COL5A1 protein (p.Asn1076Ser). This variant is not present in population databases (gnomAD no frequency). This variant has not been reported in the literature in individuals affected with COL5A1-related conditions. ClinVar contains an entry for this variant (Variation ID: 851658). Advanced modeling of protein sequence and biophysical properties (such as structural, functional, and spatial information, amino acid conservation, physicochemical variation, residue mobility, and thermodynamic stability) performed at Invitae indicates that this missense variant is not expected to disrupt COL5A1 protein function. In summary, the available evidence is currently insufficient to determine the role of this variant in disease. Therefore, it has been classified as a Variant of Uncertain Significance.

Ambry Genetics
Classification: Likely benign for Familial thoracic aortic aneurysm and aortic dissection. Last evaluated: 2023-05-10. Review status: criteria provided, single submitter. Criteria: Ambry Variant Classification Scheme 2023. Collection method: clinical testing. Allele origin: germline.

NM_000093.5(COL5A1):c.3227A>G (p.Asn1076Ser)

Gene: COL5A1 (collagen type V alpha 1 chain; plus strand). Cytogenetic location: 9q34.3.
Variant type: single nucleotide variant.
Coding change: c.3227A>G on transcript NM_000093.5 (MANE Select); coding-DNA position 3227, A replaced by G.
Protein change: p.Asn1076Ser; replaces asparagine 1076 with serine.
Molecular consequence: missense variant.
Genome position (GRCh38, 1-based): chr9:134,805,183, A>G. VCF-style: chr9-134805183-A-G. GRCh37 (hg19) VCF-style: chr9-137697029-A-G.
Other names: c.3227A>G (NM_000093.3); c.3227A>G, p.Asn1076Ser (NM_001278074.1); short protein forms N1076S.
Identifiers: ClinVar variation 851658 (VCV000851658.11), dbSNP rs1838252619, ClinGen allele CA375450878.
Genomic context (GRCh38, chr9:134,805,183, plus strand): 5'-CCCACGTGCCCTTGACCAACCTTTTCATGGCTTTGCAGGGAGCTCTTGGACTGAAAGGCA[A>G]TGAAGGGCCCCCTGGCCCACCAGGCCCTGCGGTGAGTCAAAGCCTTTGTCCCATCCTCTT-3'
Protein context (NP_000084.3, residues 1066-1086): GPVGALGLKG[Asn1076Ser]EGPPGPPGPA